The following is an entry in ClinVar:

ClinVar aggregate classification (germline): Uncertain significance. Review status: criteria provided, multiple submitters, no conflicts (2 of 4 stars). 2 submissions from 2 submitters: Uncertain significance (2). Last evaluated 2025-08-21.

Conditions:
Hereditary spastic paraplegia 11. Also called: SPASTIC PARAPLEGIA, AUTOSOMAL RECESSIVE, COMPLICATED, WITH THIN CORPUS CALLOSUM; SPASTIC PARAPLEGIA, AUTOSOMAL RECESSIVE, WITH MENTAL IMPAIRMENT AND THIN CORPUS CALLOSUM; Spastic Paraplegia 11; Spastic paraplegia, mental retardation and thin corpus callosum; Nakamura Osame syndrome; Autosomal recessive hereditary spastic paraplegia, mental impairment, and thin corpus callosum. Identifiers: Orphanet 2822, MedGen C1858479, MONDO:0011445, OMIM 604360.

gnomAD v4.1: 6 of 1,613,552 alleles (0.00037%); highest among the groups gnomAD compares: African/African-American, 0.0013%; no homozygotes.

Submissions (2):

Labcorp Genetics (formerly Invitae), Labcorp
Classification: Uncertain significance for Hereditary spastic paraplegia 11. Last evaluated: 2025-08-21. Review status: criteria provided, single submitter. Criteria: Invitae Variant Classification Sherloc (09022015). Collection method: clinical testing. Allele origin: germline.
Comment: This sequence change replaces arginine, which is basic and polar, with proline, which is neutral and non-polar, at codon 2286 of the SPG11 protein (p.Arg2286Pro). This variant is present in population databases (no rsID available, gnomAD 0.0009%). This missense change has been observed in individual(s) with SPG11-related conditions (PMID: 35896380). ClinVar contains an entry for this variant (Variation ID: 2038651). Invitae Evidence Modeling of protein sequence and biophysical properties (such as structural, functional, and spatial information, amino acid conservation, physicochemical variation, residue mobility, and thermodynamic stability) indicates that this missense variant is expected to disrupt SPG11 protein function with a positive predictive value of 80%. In summary, the available evidence is currently insufficient to determine the role of this variant in disease. Therefore, it has been classified as a Variant of Uncertain Significance.

GeneDx
Classification: Uncertain significance. Last evaluated: 2025-07-24. Review status: criteria provided, single submitter. Criteria: GeneDx Variant Classification Process June 2021. Collection method: clinical testing. Allele origin: germline. Affected: yes.
Comment: Not observed at significant frequency in large population cohorts (gnomAD); In silico analysis supports that this missense variant has a deleterious effect on protein structure/function; Identified in an individual from a cohort of patients with ALS; however additional clinical and segregation data were not provided (PMID: 35896380); This variant is associated with the following publications: (PMID: 35896380)

Literature cited by the submitters: PubMed 35896380 (cited by Labcorp Genetics (formerly Invitae), Labcorp).

NM_025137.4(SPG11):c.6857G>C (p.Arg2286Pro)

Gene: SPG11 (SPG11 vesicle trafficking associated, spatacsin; minus strand). Cytogenetic location: 15q21.1.
Variant type: single nucleotide variant.
Coding change: c.6857G>C on transcript NM_025137.4 (MANE Select); coding-DNA position 6857, G replaced by C.
Protein change: p.Arg2286Pro; replaces arginine 2286 with proline.
Molecular consequence: missense variant.
Genome position (GRCh38, 1-based): chr15:44,565,996, C>G on the plus strand (G>C on the coding strand, the complement: SPG11 is on the minus strand). VCF-style: chr15-44565996-C-G. GRCh37 (hg19) VCF-style: chr15-44858194-C-G.
Other names: c.6857G>C (NM_025137.3); c.6518G>C, p.Arg2173Pro (NM_001160227.2); c.6713G>C, p.Arg2238Pro (NM_001411132.1); short protein forms R2173P, R2238P, R2286P.
Identifiers: ClinVar variation 2038651 (VCV002038651.5), dbSNP rs370773328, ClinGen allele CA392213421.
Genomic context (GRCh38, chr15:44,565,996, plus strand): 5'-TTCAGAAAGTGAATCTGCAGAGTTATCAACTTGGTGAGCCGCTGACAGTGCTGGGCCTGT[C>G]GCACACAGGAGTCCTGAGGAACAAGGGTGGAGAGGCACAGTAGAGAAAGACCTAGTTGTC-3'
Protein context (NP_079413.3, residues 2276-2296): AESYAKDSCV[Arg2286Pro]QAQHCQRLTK